The following is an entry in ClinVar:

NM_006179.5(NTF4):c.263C>T (p.Ala88Val)

Gene: NTF4 (neurotrophin 4; minus strand). Cytogenetic location: 19q13.33.
Variant type: single nucleotide variant.
Coding change: c.263C>T on transcript NM_006179.5 (MANE Select); coding-DNA position 263, C replaced by T.
Protein change: p.Ala88Val; replaces alanine 88 with valine.
Molecular consequence: missense variant.
Genome position (GRCh38, 1-based): chr19:49,061,735, G>A on the plus strand (C>T on the coding strand, the complement: NTF4 is on the minus strand). VCF-style: chr19-49061735-G-A. GRCh37 (hg19) VCF-style: chr19-49564992-G-A.
Other names: c.263C>T, p.Ala88Val (NM_001395489.1); short protein forms A88V.
Identifiers: ClinVar variation 14017 (VCV000014017.4), dbSNP rs61732310, ClinGen allele CA123705.

ClinVar aggregate classification (germline): Likely benign. Review status: criteria provided, multiple submitters, no conflicts (2 of 4 stars). 3 submissions from 3 submitters: Likely benign (2). 1 of the submissions does not count toward it.

Conditions:
Intellectual developmental disorder, X-linked 99. Also called: Intellectual disability, X-linked 99. Identifiers: Orphanet 777, MedGen C3806746, MONDO:0010487, OMIM 300919.
Glaucoma 1, open angle, O (GLC1O). Identifiers: MedGen C2751294, MONDO:0013134, OMIM 613100.

Allele frequency attached by ClinVar (database versions not stated): gnomAD 0.00196 and 0.00246; gnomAD exomes 0.00454 and 0.00340; 1000 Genomes Project 30x 0.00547; ExAC 0.00594; TOPMed 0.00234; 1000 Genomes Project 0.00579.
gnomAD v4.1: 5,384 of 1,611,310 alleles (0.33%); highest among the groups gnomAD compares: South Asian, 1.8%; 41 homozygotes.

Submissions (3):

Breakthrough Genomics
Classification: Likely benign. Review status: criteria provided, single submitter. Criteria: ACMG Guidelines, 2015. Collection method: not provided. Allele origin: germline. Inheritance: Unknown mechanism. Affected: yes.

Broad Center for Mendelian Genomics, Broad Institute of MIT and Harvard
Classification: Likely benign for Intellectual developmental disorder, X-linked 99. Review status: criteria provided, single submitter. Criteria: ACMG Guidelines, 2015. Collection method: research. Allele origin: germline. Inheritance: Autosomal dominant inheritance. Affected: yes.
Comment: The heterozygous p.Ala88Val variant in NTF4 has been identified in at least 13 individuals with glaucoma and at least 19 individuals without glaucoma (PMID: 19765683, 20215012, 20463313), but has also been identified in >2% of South Asian chromosomes and 8 homozygotes by ExAC. In summary, although additional studies are required to fully establish its clinical significance, this variant meets criteria to be classified as likely benign for autosomal dominant primary open angle glaucoma.

OMIM
Classification: Uncertain significance for RECLASSIFIED - VARIANT OF UNKNOWN SIGNIFICANCE. Last evaluated: 2010-03-12. Review status: no assertion criteria provided. Collection method: literature only. Allele origin: germline. Not counted in ClinVar's aggregate classification.

Literature cited by the submitters: PubMed 19765683 (cited by Broad Center for Mendelian Genomics, Broad Institute of MIT and Harvard and OMIM); PubMed 20215012 (cited by Broad Center for Mendelian Genomics, Broad Institute of MIT and Harvard and OMIM); PubMed 20463313 (cited by Broad Center for Mendelian Genomics, Broad Institute of MIT and Harvard); PubMed 27535533 (cited by OMIM).